The following is an entry in ClinVar:

ClinVar aggregate classification (germline): Uncertain significance. Review status: criteria provided, multiple submitters, no conflicts (2 of 4 stars). 2 submissions from 2 submitters: Uncertain significance (2). Last evaluated 2025-08-06.

Conditions:
Cardiovascular phenotype. Identifiers: MedGen CN230736.
Dilated cardiomyopathy 1JJ (CMD1JJ). Identifiers: Orphanet 154, MedGen C3808935, MONDO:0014095, OMIM 615235.

Allele frequency attached by ClinVar (database versions not stated): gnomAD exomes below 0.00001; ExAC 0.00001; gnomAD 0.00001 and 0.00002; TOPMed 0.00004.
gnomAD v4.1: 7 of 1,613,864 alleles (0.00043%); highest among the groups gnomAD compares: African/African-American, 0.004%; no homozygotes.

Submissions (2):

Ambry Genetics
Classification: Uncertain significance for Cardiovascular phenotype. Last evaluated: 2025-08-06. Review status: criteria provided, single submitter. Criteria: Ambry Variant Classification Scheme 2023. Collection method: clinical testing. Allele origin: germline.

Labcorp Genetics (formerly Invitae), Labcorp
Classification: Uncertain significance for Dilated cardiomyopathy 1JJ. Last evaluated: 2023-04-24. Review status: criteria provided, single submitter. Criteria: Invitae Variant Classification Sherloc (09022015). Collection method: clinical testing. Allele origin: germline.
Comment: This sequence change replaces cysteine, which is neutral and slightly polar, with arginine, which is basic and polar, at codon 1813 of the LAMA4 protein (p.Cys1813Arg). This variant is present in population databases (rs782706577, gnomAD 0.003%). This variant has not been reported in the literature in individuals affected with LAMA4-related conditions. ClinVar contains an entry for this variant (Variation ID: 406142). An algorithm developed to predict the effect of missense changes on protein structure and function (PolyPhen-2) suggests that this variant is likely to be disruptive. In summary, the available evidence is currently insufficient to determine the role of this variant in disease. Therefore, it has been classified as a Variant of Uncertain Significance.

NM_001105206.3(LAMA4):c.5458T>C (p.Cys1820Arg)

Gene: LAMA4 (laminin subunit alpha 4; minus strand). Cytogenetic location: 6q21.
Variant type: single nucleotide variant.
Coding change: c.5458T>C on transcript NM_001105206.3 (MANE Select); coding-DNA position 5458, T replaced by C.
Protein change: p.Cys1820Arg; replaces cysteine 1820 with arginine.
Molecular consequence: missense variant.
Genome position (GRCh38, 1-based): chr6:112,109,451, A>G on the plus strand (T>C on the coding strand, the complement: LAMA4 is on the minus strand). VCF-style: chr6-112109451-A-G. GRCh37 (hg19) VCF-style: chr6-112430654-A-G.
Other names: c.5437T>C, p.Cys1813Arg (NM_001105207.3, NM_002290.5); c.5437T>C (NM_002290.3); short protein forms C1813R, C1820R.
Identifiers: ClinVar variation 406142 (VCV000406142.10), dbSNP rs782706577, ClinGen allele CA3964708.